The following is an entry in ClinVar:

ClinVar aggregate classification (germline): Likely pathogenic (1 of 4 stars; one submission).

Conditions:
Autosomal recessive nonsyndromic hearing loss 32. Also called: Deafness, autosomal recessive 32; HEARING IMPAIRMENT INFERTILE MALE SYNDROME; Deafness, autosomal recessive 105. Identifiers: Orphanet 90636, MedGen C1837608, MONDO:0012091, OMIM 608653.

Submission:

King Laboratory, University of Washington
Classification: Likely pathogenic for Autosomal recessive nonsyndromic hearing loss 32. Last evaluated: 2020-08-01. Review status: criteria provided, single submitter. Criteria: Abu Rayyan A et al. (Proc Natl Acad Sci U S A 2020). Collection method: research. Allele origin: germline. Affected: yes.
Comment: Based on analysis of patient-derived RNA, CDC14A c.51-1G>T disrupts the CDC14A exon 2 splice acceptor, leading to transcriptional loss of 91bp and a stop at codon 25 (Abu Rayyan 2020). This variant is homozygous in a child with pre-lingual severe hearing loss. It is absent from 1300 Palestinian controls and from public databases.

NM_003672.4(CDC14A):c.50-1G>T

Gene: CDC14A (cell division cycle 14A; plus strand). Cytogenetic location: 1p21.2.
Variant type: single nucleotide variant.
Coding change: c.50-1G>T on transcript NM_003672.4 (MANE Select); the canonical splice acceptor site of the intron before coding-DNA position 50, G replaced by T.
Molecular consequence: splice acceptor variant.
Genome position (GRCh38, 1-based): chr1:100,353,761, G>T. VCF-style: chr1-100353761-G-T. GRCh37 (hg19) VCF-style: chr1-100819317-G-T.
Other names: NM_033313.2:c.50-1G>T, ?; c.-125-1G>T (NM_001319211.2); c.50-1G>T (NM_001319210.2, NM_033312.3, NM_033313.3); c.-742-1G>T (NM_001319212.2).
Identifiers: ClinVar variation 1299312 (VCV001299312.2), dbSNP rs2100872719, ClinGen allele CA341349055.